The following is an entry in ClinVar:

ClinVar aggregate classification (germline): Uncertain significance (0 of 4 stars; one submission).

Conditions:
SH2B1-related disorder. Also called: SH2B1-related condition.

gnomAD v4.1: 6 of 1,613,854 alleles (0.00037%); highest among the groups gnomAD compares: Non-Finnish European, 0.00051%; no homozygotes.

Submission:

PreventionGenetics, part of Exact Sciences
Classification: Uncertain significance for SH2B1-related condition. Last evaluated: 2024-08-27. Review status: no assertion criteria provided. Collection method: clinical testing. Allele origin: germline.
Comment: The SH2B1 c.513G>C variant is predicted to result in the amino acid substitution p.Gln171His. To our knowledge, this variant has not been reported in the literature. This variant is reported in 0.00088% of alleles in individuals of European (Non-Finnish) descent in gnomAD. At this time, the clinical significance of this variant is uncertain due to the absence of conclusive functional and genetic evidence.

NM_001387430.1(SH2B1):c.513G>C (p.Gln171His)

Gene: SH2B1 (SH2B adaptor protein 1; plus strand). Cytogenetic location: 16p11.2.
Variant type: single nucleotide variant.
Coding change: c.513G>C on transcript NM_001387430.1 (MANE Select); coding-DNA position 513, G replaced by C.
Protein change: p.Gln171His; replaces glutamine 171 with histidine.
Molecular consequence: missense variant. On other transcripts: intron variant (1).
Genome position (GRCh38, 1-based): chr16:28,866,607, G>C. VCF-style: chr16-28866607-G-C. GRCh37 (hg19) VCF-style: chr16-28877928-G-C.
Other names: c.513G>C, p.Gln171His (NM_001145795.2, NM_001145796.2, NM_001145797.2 and 4 more transcripts); c.-26-767G>C (NM_001308294.2); short protein forms Q171H.
Identifiers: ClinVar variation 3358617 (VCV003358617.1).
Genomic context (GRCh38, chr16:28,866,607, plus strand): 5'-GCGCTTTTCCCTGCGTTCAGTGGGTCGCTCTGTCCGAGGCTCAGTCCGTGGCATCCTGCA[G>C]TGGCGGGGGACCGTTGACCCTCCCTCCTCCGCTGGGCCCCTGGAGACCTCGTCAGGCCCC-3'
Protein context (NP_001374359.1, residues 161-181): SVRGSVRGIL[Gln171His]WRGTVDPPSS